The following is an entry in ClinVar:

NM_001367624.2(ZNF469):c.9125G>C (p.Arg3042Pro)

Gene: ZNF469 (zinc finger protein 469; plus strand). Cytogenetic location: 16q24.2.
Variant type: single nucleotide variant.
Coding change: c.9125G>C on transcript NM_001367624.2 (MANE Select); coding-DNA position 9125, G replaced by C.
Protein change: p.Arg3042Pro; replaces arginine 3042 with proline.
Molecular consequence: missense variant.
Genome position (GRCh38, 1-based): chr16:88,436,595, G>C. VCF-style: chr16-88436595-G-C. GRCh37 (hg19) VCF-style: chr16-88503003-G-C.
Other names: NM_001127464.1:c.9041G>C; short protein forms R3042P.
Identifiers: ClinVar variation 2340360 (VCV002340360.2), dbSNP rs150598363, ClinGen allele CA397120859.
Genomic context (GRCh38, chr16:88,436,595, plus strand): 5'-GCCTGGAGAGAGAACGCTGTGACGGTGGGCTTCCCGGGAACACCCACCTGCTGCCGCTCC[G>C]TGCCACGGACTTTGAGGTGCTCAGCACCAAGTTTGAGATGCAAGACCTGTGCTTTCTGGG-3'
Protein context (NP_001354553.1, residues 3032-3052): LPGNTHLLPL[Arg3042Pro]ATDFEVLSTK

ClinVar aggregate classification (germline): Uncertain significance (1 of 4 stars; one submission).

Conditions:
Cardiovascular phenotype. Identifiers: MedGen CN230736.

Submission:

Ambry Genetics
Classification: Uncertain significance for Cardiovascular phenotype. Last evaluated: 2023-11-21. Review status: criteria provided, single submitter. Criteria: Ambry Variant Classification Scheme 2023. Collection method: clinical testing. Allele origin: germline.
Comment: The p.R3014P variant (also known as c.9041G>C), located in coding exon 2 of the ZNF469 gene, results from a G to C substitution at nucleotide position 9041. The arginine at codon 3014 is replaced by proline, an amino acid with dissimilar properties. This amino acid position is conserved. In addition, this alteration is predicted to be tolerated by in silico analysis. Since supporting evidence is limited at this time, the clinical significance of this alteration remains unclear.